The following is an entry in ClinVar:

ClinVar aggregate classification (germline): Likely pathogenic (1 of 4 stars; one submission).

Submission:

GeneDx
Classification: Likely pathogenic. Last evaluated: 2025-03-10. Review status: criteria provided, single submitter. Criteria: GeneDx Variant Classification Process June 2021. Collection method: clinical testing. Allele origin: germline. Affected: yes.
Comment: Not observed at significant frequency in large population cohorts (gnomAD); In silico analysis supports that this missense variant has a deleterious effect on protein structure/function; Has not been previously published as pathogenic or benign to our knowledge

NM_000834.5(GRIN2B):c.703G>A (p.Glu235Lys)

Gene: GRIN2B (glutamate ionotropic receptor NMDA type subunit 2B; minus strand). Cytogenetic location: 12p13.1.
Variant type: single nucleotide variant.
Coding change: c.703G>A on transcript NM_000834.5 (MANE Select); coding-DNA position 703, G replaced by A.
Protein change: p.Glu235Lys; replaces glutamic acid 235 with lysine.
Molecular consequence: missense variant.
Genome position (GRCh38, 1-based): chr12:13,753,624, C>T on the plus strand (G>A on the coding strand, the complement: GRIN2B is on the minus strand). VCF-style: chr12-13753624-C-T. GRCh37 (hg19) VCF-style: chr12-13906558-C-T.
Other names: c.703G>A, p.Glu235Lys (NM_001413992.1, NM_001413993.1, NM_001413994.1 and 1 more transcripts); short protein forms E235K.
Identifiers: ClinVar variation 4083452 (VCV004083452.1).